The following is an entry in ClinVar:

ClinVar aggregate classification (germline): Uncertain significance (1 of 4 stars; one submission).

Submission:

Ambry Genetics
Classification: Uncertain significance. Last evaluated: 2024-11-02. Review status: criteria provided, single submitter. Criteria: Ambry Variant Classification Scheme 2023. Collection method: clinical testing. Allele origin: germline.
Comment: The p.P1015A variant (also known as c.3043C>G), located in coding exon 24 of the BUB1 gene, results from a C to G substitution at nucleotide position 3043. The proline at codon 1015 is replaced by alanine, an amino acid with highly similar properties. This amino acid position is conserved. In addition, this alteration is predicted to be tolerated by in silico analysis. Based on the available evidence, the clinical significance of this variant remains unclear.

NM_004336.5(BUB1):c.3043C>G (p.Pro1015Ala)

Gene: BUB1 (BUB1 mitotic checkpoint serine/threonine kinase; minus strand). Cytogenetic location: 2q13.
Variant type: single nucleotide variant.
Coding change: c.3043C>G on transcript NM_004336.5 (MANE Select); coding-DNA position 3043, C replaced by G.
Protein change: p.Pro1015Ala; replaces proline 1015 with alanine.
Molecular consequence: missense variant.
Genome position (GRCh38, 1-based): chr2:110,639,761, G>C on the plus strand (C>G on the coding strand, the complement: BUB1 is on the minus strand). VCF-style: chr2-110639761-G-C. GRCh37 (hg19) VCF-style: chr2-111397338-G-C.
Other names: c.2983C>G, p.Pro995Ala (NM_001278616.2); c.2872C>G, p.Pro958Ala (NM_001278617.2); short protein forms P1015A, P958A, P995A.
Identifiers: ClinVar variation 3483099 (VCV003483099.1).
Genomic context (GRCh38, chr2:110,639,761, plus strand): 5'-AGTTATTCTCTTTTCACTACAGCACCAATGCTAATACTCACCTTCTAAAAAGACCTTCAG[G>C]CTTACACTCTCCTCCTTCATTTTTCACTTTCATGTAAGTGCCAAAGAGCATGCAATATAC-3'
Protein context (NP_004327.1, residues 1005-1025): KVKNEGGECK[Pro1015Ala]EGLFRRLPHL